The following is an entry in ClinVar:

NM_005431.2(XRCC2):c.431G>T (p.Cys144Phe)

Gene: XRCC2 (X-ray repair cross complementing 2; minus strand). Cytogenetic location: 7q36.1.
Variant type: single nucleotide variant.
Coding change: c.431G>T on transcript NM_005431.2 (MANE Select); coding-DNA position 431, G replaced by T.
Protein change: p.Cys144Phe; replaces cysteine 144 with phenylalanine.
Molecular consequence: missense variant.
Genome position (GRCh38, 1-based): chr7:152,649,054, C>A on the plus strand (G>T on the coding strand, the complement: XRCC2 is on the minus strand). VCF-style: chr7-152649054-C-A. GRCh37 (hg19) VCF-style: chr7-152346139-C-A.
Other names: short protein forms C144F.
Identifiers: ClinVar variation 4841419 (VCV004841419.1).
Genomic context (GRCh38, chr7:152,649,054, plus strand): 5'-TCTCCTCCATTGACGCGGTCTATCCAGTAAAAAGCTGACAGGCTATCCAAAATCAAAAGG[C>A]AGAGAGATGGGTGACTACAAAACATACTTTCTAGTGAGTAAAGTGTAAGAAGTAAGTGGG-3'
Protein context (NP_005422.1, residues 134-154): ESMFCSHPSL[Cys144Phe]LLILDSLSAF

ClinVar aggregate classification (germline): Uncertain significance (1 of 4 stars; one submission).

Conditions:
Hereditary cancer-predisposing syndrome. Also called: Neoplastic Syndromes, Hereditary; Tumor predisposition; Hereditary Cancer Syndrome; Hereditary neoplastic syndrome. Identifiers: Orphanet 140162, MedGen C0027672, MeSH D009386, MONDO:0015356.

Submission:

Ambry Genetics
Classification: Uncertain significance for Hereditary cancer-predisposing syndrome. Last evaluated: 2025-12-21. Review status: criteria provided, single submitter. Criteria: Ambry Variant Classification Scheme 2023. Collection method: clinical testing. Allele origin: germline.
Comment: The p.C144F variant (also known as c.431G>T), located in coding exon 3 of the XRCC2 gene, results from a G to T substitution at nucleotide position 431. The cysteine at codon 144 is replaced by phenylalanine, an amino acid with highly dissimilar properties. This amino acid position is conserved. In addition, the in silico prediction for this alteration is inconclusive. Based on the available evidence, the clinical significance of this variant remains unclear.